The following is an entry in ClinVar:

ClinVar aggregate classification (germline): Uncertain significance (1 of 4 stars; one submission).

Conditions:
Arrhythmogenic right ventricular dysplasia 9 (ARVD9). Also called: Arrhythmogenic Right Ventricular Dysplasia/Cardiomyopathy 9; ARRHYTHMOGENIC RIGHT VENTRICULAR DYSPLASIA, FAMILIAL, 9. Identifiers: MedGen C1836906, MONDO:0012180, OMIM 609040.

gnomAD v4.1: 1 of 1,609,818 alleles (0.000062%); highest among the groups gnomAD compares: Non-Finnish European, 0.000085%; no homozygotes.

Submission:

Labcorp Genetics (formerly Invitae), Labcorp
Classification: Uncertain significance for Arrhythmogenic right ventricular dysplasia 9. Last evaluated: 2025-11-29. Review status: criteria provided, single submitter. Criteria: Invitae Variant Classification Sherloc (09022015). Collection method: clinical testing. Allele origin: germline.
Comment: This sequence change replaces serine, which is neutral and polar, with proline, which is neutral and non-polar, at codon 567 of the PKP2 protein (p.Ser567Pro). This variant is not present in population databases (gnomAD no frequency). This variant has not been reported in the literature in individuals affected with PKP2-related conditions. An algorithm developed to predict the effect of missense changes on protein structure and function (PolyPhen-2) suggests that this variant is likely to be disruptive. In summary, the available evidence is currently insufficient to determine the role of this variant in disease. Therefore, it has been classified as a Variant of Uncertain Significance.

NM_001005242.3(PKP2):c.1567T>C (p.Ser523Pro)

Gene: PKP2 (plakophilin 2; minus strand). Cytogenetic location: 12p11.21.
Variant type: single nucleotide variant.
Coding change: c.1567T>C on transcript NM_001005242.3 (MANE Select); coding-DNA position 1567, T replaced by C.
Protein change: p.Ser523Pro; replaces serine 523 with proline.
Molecular consequence: missense variant.
Genome position (GRCh38, 1-based): chr12:32,824,152, A>G on the plus strand (T>C on the coding strand, the complement: PKP2 is on the minus strand). VCF-style: chr12-32824152-A-G. GRCh37 (hg19) VCF-style: chr12-32977086-A-G.
Other names: c.1567T>C, p.Ser523Pro (NM_001407155.1, NM_001407156.1, NM_001407161.1); c.1699T>C, p.Ser567Pro (NM_001407157.1, NM_004572.4); c.1240T>C, p.Ser414Pro (NM_001407158.1, NM_001407159.1, NM_001407160.1 and 1 more transcripts); short protein forms S523P, S414P, S567P.
Identifiers: ClinVar variation 4780573 (VCV004780573.1).
Genomic context (GRCh38, chr12:32,824,152, plus strand): 5'-CCAGTGAGTCAATGAGTCCGTCACATCTTCTCATCGCTTTTCTCCCATCAGCGCCAGCAG[A>G]ACTCATGTTTCTATCAGAAAAAACAAAAAACAAAAAAGTAAGTCTAGGCTGTGTATCCAA-3'
Protein context (NP_001005242.2, residues 513-533): NVTGCLRNMS[Ser523Pro]AGADGRKAMR